The following is an entry in ClinVar:

ClinVar aggregate classification (germline): Uncertain significance. Review status: criteria provided, multiple submitters, no conflicts (2 of 4 stars). 2 submissions from 2 submitters: Uncertain significance (2). Last evaluated 2025-11-05.

Conditions:
Xeroderma pigmentosum, group F (XPF). Also called: XERODERMA PIGMENTOSUM, COMPLEMENTATION GROUP F; ERCC4-Related Xeroderma Pigmentosum; XERODERMA PIGMENTOSUM, TYPE F; Xeroderma pigmentosum, type 6; XERODERMA PIGMENTOSUM VI; XP, GROUP F. Identifiers: MedGen C0268140, MONDO:0010215, OMIM 278760.
Cockayne syndrome. Identifiers: Orphanet 191, MedGen C0009207, MONDO:0016006.
Fanconi anemia complementation group Q. Identifiers: Orphanet 84, MedGen C3808988, MONDO:0014108, OMIM 615272.
Xeroderma pigmentosum (XP). Identifiers: Orphanet 910, MedGen C0043346, MONDO:0019600.

Allele frequency attached by ClinVar (database versions not stated): gnomAD 0.00001; TOPMed 0.00001; ExAC 0.00002; gnomAD exomes 0.00002.
gnomAD v4.1: 33 of 1,614,050 alleles (0.002%); highest among the groups gnomAD compares: South Asian, 0.019%; no homozygotes.

Submissions (2):

Labcorp Genetics (formerly Invitae), Labcorp
Classification: Uncertain significance for Fanconi anemia complementation group Q; Xeroderma pigmentosum, group F; Cockayne syndrome. Last evaluated: 2025-11-05. Review status: criteria provided, single submitter. Criteria: Invitae Variant Classification Sherloc (09022015). Collection method: clinical testing. Allele origin: germline.
Comment: This sequence change replaces glycine, which is neutral and non-polar, with serine, which is neutral and polar, at codon 734 of the ERCC4 protein (p.Gly734Ser). This variant is present in population databases (rs753924297, gnomAD 0.01%). This variant has not been reported in the literature in individuals affected with ERCC4-related conditions. ClinVar contains an entry for this variant (Variation ID: 1692883). Invitae Evidence Modeling of protein sequence and biophysical properties (such as structural, functional, and spatial information, amino acid conservation, physicochemical variation, residue mobility, and thermodynamic stability) indicates that this missense variant is not expected to disrupt ERCC4 protein function with a negative predictive value of 80%. In summary, the available evidence is currently insufficient to determine the role of this variant in disease. Therefore, it has been classified as a Variant of Uncertain Significance.

Sema4
Classification: Uncertain significance for Xeroderma pigmentosum. Last evaluated: 2021-11-11. Review status: criteria provided, single submitter. Criteria: Sema4 Curation Guidelines. Collection method: curation. Allele origin: germline.
Comment: The ERCC4 c.2200G>A (p.G734S) variant has not been reported in the literature to our knowledge. This variant was observed in 4/30616 chromosomes in the South Asian subpopulation in the large and broad cohorts of the Genome Aggregation Database (PMID: 32461654). The variant has not been reported in ClinVar. Functional studies have not been performed, and in silico predictions of the variant's effect on protein function are inconclusive. The evidence is insufficient to meet ACMG/AMP criteria for classifying the variant as benign or pathogenic. Thus, the clinical significance of this variant is currently uncertain

NM_005236.3(ERCC4):c.2200G>A (p.Gly734Ser)

Gene: ERCC4 (ERCC excision repair 4, endonuclease catalytic subunit; plus strand). Cytogenetic location: 16p13.12.
Variant type: single nucleotide variant.
Coding change: c.2200G>A on transcript NM_005236.3 (MANE Select); coding-DNA position 2200, G replaced by A.
Protein change: p.Gly734Ser; replaces glycine 734 with serine.
Molecular consequence: missense variant.
Genome position (GRCh38, 1-based): chr16:13,947,796, G>A. VCF-style: chr16-13947796-G-A. GRCh37 (hg19) VCF-style: chr16-14041653-G-A.
Other names: short protein forms G734S.
Identifiers: ClinVar variation 1692883 (VCV001692883.6), dbSNP rs753924297, ClinGen allele CA7910702.
Genomic context (GRCh38, chr16:13,947,796, plus strand): 5'-GGAGATTACATCCTCACTCCAGAAATGTGCGTGGAGCGCAAGAGTATCAGTGATTTAATC[G>A]GCTCTTTAAATAACGGCCGCCTCTACAGCCAGTGCATCTCCATGTCCCGCTACTACAAGC-3'
Protein context (NP_005227.1, residues 724-744): VERKSISDLI[Gly734Ser]SLNNGRLYSQ